The following is an entry in ClinVar:

ClinVar aggregate classification (germline): Uncertain significance. Review status: criteria provided, multiple submitters, no conflicts (2 of 4 stars). 2 submissions from 2 submitters: Uncertain significance (2). Last evaluated 2022-11-29.

Conditions:
Inborn genetic diseases. Identifiers: MedGen C0950123, MeSH D030342.
Jeune thoracic dystrophy. Also called: Jeune syndrome; Infantile thoracic dystrophy; Thoracic pelvic phalangeal dystrophy; Jeune's syndrome; Chondroectodermal dysplasia-like syndrome; Short-rib thoracic dysplasia. Identifiers: Orphanet 474, MedGen C0265275, MONDO:0018770.

gnomAD v4.1: 1 of 1,515,540 alleles (0.000066%); highest among the groups gnomAD compares: Admixed American, 0.0021%; no homozygotes.

Submissions (2):

Labcorp Genetics (formerly Invitae), Labcorp
Classification: Uncertain significance for Jeune thoracic dystrophy. Last evaluated: 2022-11-29. Review status: criteria provided, single submitter. Criteria: Invitae Variant Classification Sherloc (09022015). Collection method: clinical testing. Allele origin: germline.
Comment: This variant is not present in population databases (gnomAD no frequency). This variant has not been reported in the literature in individuals affected with DYNC2H1-related conditions. ClinVar contains an entry for this variant (Variation ID: 1481149). Advanced modeling of protein sequence and biophysical properties (such as structural, functional, and spatial information, amino acid conservation, physicochemical variation, residue mobility, and thermodynamic stability) performed at Invitae indicates that this missense variant is not expected to disrupt DYNC2H1 protein function. In summary, the available evidence is currently insufficient to determine the role of this variant in disease. Therefore, it has been classified as a Variant of Uncertain Significance. This sequence change replaces aspartic acid, which is acidic and polar, with asparagine, which is neutral and polar, at codon 1557 of the DYNC2H1 protein (p.Asp1557Asn).

Ambry Genetics
Classification: Uncertain significance for Inborn genetic diseases. Last evaluated: 2021-09-17. Review status: criteria provided, single submitter. Criteria: Ambry Variant Classification Scheme 2023. Collection method: clinical testing. Allele origin: germline.

NM_001377.3(DYNC2H1):c.4669G>A (p.Asp1557Asn)

Gene: DYNC2H1 (dynein cytoplasmic 2 heavy chain 1; plus strand). Cytogenetic location: 11q22.3.
Variant type: single nucleotide variant.
Coding change: c.4669G>A on transcript NM_001377.3 (MANE Select); coding-DNA position 4669, G replaced by A.
Protein change: p.Asp1557Asn; replaces aspartic acid 1557 with asparagine.
Molecular consequence: missense variant.
Genome position (GRCh38, 1-based): chr11:103,165,955, G>A. VCF-style: chr11-103165955-G-A. GRCh37 (hg19) VCF-style: chr11-103036684-G-A.
Other names: c.4669G>A, p.Asp1557Asn (NM_001080463.2); c.4669G>A (NM_001080463.1); short protein forms D1557N.
Identifiers: ClinVar variation 1481149 (VCV001481149.9), dbSNP rs2134944386, ClinGen allele CA382239433.